The following is an entry in ClinVar:

NM_052988.5(CDK10):c.717C>A (p.Leu239=)

Gene: CDK10 (cyclin dependent kinase 10; plus strand). Cytogenetic location: 16q24.3.
Variant type: single nucleotide variant.
Coding change: c.717C>A on transcript NM_052988.5 (MANE Select); coding-DNA position 717, C replaced by A.
Protein change: p.Leu239=; no amino-acid change (leucine 239 retained).
Molecular consequence: synonymous variant. On other transcripts: non-coding transcript variant (2).
Genome position (GRCh38, 1-based): chr16:89,694,713, C>A. VCF-style: chr16-89694713-C-A. GRCh37 (hg19) VCF-style: chr16-89761121-C-A.
Other names: c.504C>A, p.Leu168= (NM_001160367.2, NM_052987.4, NM_001098533.3).
Identifiers: ClinVar variation 3026564 (VCV003026564.22), dbSNP rs1381700005, ClinGen allele CA497377426.

ClinVar aggregate classification (germline): Likely benign (1 of 4 stars; one submission).

Allele frequency attached by ClinVar (database versions not stated): gnomAD 0.00001.
gnomAD v4.1: 14 of 1,585,548 alleles (0.00088%); highest among the groups gnomAD compares: Middle Eastern, 0.017%; no homozygotes.

Submission:

CeGaT Center for Human Genetics Tuebingen
Classification: Likely benign. Last evaluated: 2024-02-01. Review status: criteria provided, single submitter. Criteria: CeGaT Center For Human Genetics Tuebingen Variant Classification Criteria Version 2. Collection method: clinical testing. Allele origin: germline. Affected: yes. Observed: 1 variant allele.
Comment: CDK10: BP4, BP7